The following is an entry in ClinVar:

NM_001267550.2(TTN):c.88703_88704del (p.His29568fs)

Genes: TTN (titin; minus strand), TTN-AS1 (TTN antisense RNA 1; plus strand). Cytogenetic location: 2q31.2.
Variant type: Deletion.
Coding change: c.88703_88704del on transcript NM_001267550.2 (MANE Select); coding-DNA positions 88703 to 88704, 2 bases deleted (AC; older notation c.88703_88704delAC).
Protein change: p.His29568fs; shifts the reading frame from histidine 29568.
Molecular consequence: frameshift variant.
Genome position (GRCh38, 1-based): chr2:178,554,643-178,554,644, GT deleted on the plus strand (AC on the coding strand, the reverse complement: TTN is on the minus strand); deleting any 2 consecutive bases within chr2:178,554,643-178,554,645 gives the same sequence; the c. name uses the placement nearest the transcript's 3' end. VCF-style (leftmost placement, unchanged base first): chr2-178554642-AGT-A. GRCh37 (hg19) VCF-style: chr2-179419369-AGT-A.
Other names: c.83780_83781delAC (NM_001256850.1); c.83780_83781del, p.His27927fs (NM_001256850.1); c.61508_61509del, p.His20503fs (NM_003319.4); c.80999_81000del, p.His27000fs (NM_133378.4); c.61883_61884del, p.His20628fs (NM_133432.3); c.62084_62085del, p.His20695fs (NM_133437.4); c.61508_61509delAC (NM_003319.4); short protein forms H20628fs, H20695fs, H27927fs, H29568fs, H20503fs, H27000fs.
Identifiers: ClinVar variation 202488 (VCV000202488.11), dbSNP rs794729360, ClinGen allele CA309451.

ClinVar aggregate classification (germline): Pathogenic/Likely pathogenic. Review status: criteria provided, multiple submitters, no conflicts (2 of 4 stars). 3 submissions from 3 submitters: Pathogenic (1); Likely pathogenic (2). Last evaluated 2025-10-19.

Conditions:
Dilated cardiomyopathy 1G (CMD1G). Identifiers: Orphanet 154, MedGen C1858763, MONDO:0011400, OMIM 604145.
Autosomal recessive limb-girdle muscular dystrophy type 2J (LGMDR10). Also called: MUSCULAR DYSTROPHY, LIMB-GIRDLE, AUTOSOMAL RECESSIVE 10; Limb-girdle muscular dystrophy, type 2J. Identifiers: Orphanet 140922, MedGen C1837342, MONDO:0012127, OMIM 608807.
Cardiovascular phenotype. Identifiers: MedGen CN230736.

Submissions (3):

Labcorp Genetics (formerly Invitae), Labcorp
Classification: Likely pathogenic for Dilated cardiomyopathy 1G; Autosomal recessive limb-girdle muscular dystrophy type 2J. Last evaluated: 2025-10-19. Review status: criteria provided, single submitter. Criteria: Invitae Variant Classification Sherloc (09022015). Collection method: clinical testing. Allele origin: germline.
Comment: This sequence change creates a premature translational stop signal (p.His29568Leufs*7) in the TTN gene. While this is not anticipated to result in nonsense mediated decay, it is expected to create a truncated TTN protein. This variant is not present in population databases (gnomAD no frequency). This premature translational stop signal has been observed in individual(s) with dilated cardiomyopathy (PMID: 32160020). ClinVar contains an entry for this variant (Variation ID: 202488). This variant is located in the A band of TTN (PMID: 25589632). Truncating variants in this region are significantly overrepresented in patients affected with dilated cardiomyopathy (PMID: 25589632). Truncating variants in this region have also been reported in individuals affected with autosomal recessive centronuclear myopathy (PMID: 23975875). In summary, the currently available evidence indicates that the variant is pathogenic, but additional data are needed to prove that conclusively. Therefore, this variant has been classified as Likely Pathogenic.

Ambry Genetics
Classification: Likely pathogenic for Cardiovascular phenotype. Last evaluated: 2022-12-30. Review status: criteria provided, single submitter. Criteria: Ambry Variant Classification Scheme 2023. Collection method: clinical testing. Allele origin: germline.
Comment: The c.61508_61509delAC variant, located in coding exon 159 of the TTN gene, results from a deletion of two nucleotides at nucleotide positions 61508 to 61509, causing a translational frameshift with a predicted alternate stop codon (p.H20503Lfs*7). This exon is located in the A-band region of the N2-B isoform of the titin protein and is constitutively expressed in TTN transcripts (percent spliced in or PSI 100%). This alteration has been reported in a dilated cardiomyopathy (DCM) cohort (Morales A et al. Circ Genom Precis Med, 2020 Apr;13:e002480). This variant is also considered to be rare based on population cohorts in the Genome Aggregation Database (gnomAD). This alteration is expected to result in loss of function by premature protein truncation or nonsense-mediated mRNA decay. While truncating variants in TTN are present in 1-3% of the general population, truncating variants in the A-band are the most common cause of dilated cardiomyopathy (DCM) (Herman DS et al. N. Engl. J. Med., 2012 Feb;366:619-28; Roberts AM et al. Sci Transl Med, 2015 Jan;7:270ra6). TTN truncating variants encoded in constitutive exons (PSI >90%) have been found to be significantly associated with DCM regardless of their position in titin (Schafer S et al. Nat. Genet., 2017 01;49:46-53). Based on the majority of available evidence to date, this variant is likely to be pathogenic.

GeneDx
Classification: Pathogenic. Last evaluated: 2019-05-24. Review status: criteria provided, single submitter. Criteria: GeneDx Variant Classification Process June 2021. Collection method: clinical testing. Allele origin: germline. Affected: yes.
Comment: Has not been previously published as pathogenic or benign to our knowledge; Not observed in large population cohorts (Lek et al., 2016); Frameshift variant predicted to result in protein truncation or nonsense mediated decay in a gene for which loss-of-function is a known mechanism of disease; Located in the A-band region of titin, where the majority of truncating pathogenic variants associated with DCM have been reported (Herman et al., 2012).; This variant is associated with the following publications: (PMID: 32160020)

Literature cited by the submitters: PubMed 32160020 (cited by Labcorp Genetics (formerly Invitae), Labcorp and Ambry Genetics); PubMed 25589632 (cited by Labcorp Genetics (formerly Invitae), Labcorp); PubMed 23975875 (cited by Labcorp Genetics (formerly Invitae), Labcorp).